The following is an entry in ClinVar:

NM_173598.6(KSR2):c.322-3T>C

Gene: KSR2 (kinase suppressor of ras 2; minus strand). Cytogenetic location: 12q24.23.
Variant type: single nucleotide variant.
Coding change: c.322-3T>C on transcript NM_173598.6 (MANE Select); 3 bases into the intron before coding-DNA position 322, T replaced by C.
Molecular consequence: intron variant.
Genome position (GRCh38, 1-based): chr12:117,855,581, A>G on the plus strand (T>C on the coding strand, the complement: KSR2 is on the minus strand). VCF-style: chr12-117855581-A-G. GRCh37 (hg19) VCF-style: chr12-118293386-A-G.
Identifiers: ClinVar variation 3348164 (VCV003348164.1).

ClinVar aggregate classification (germline): Likely benign (0 of 4 stars; one submission).

Conditions:
KSR2-related disorder. Also called: KSR2-related condition.

gnomAD v4.1: 5 of 1,613,750 alleles (0.00031%); highest among the groups gnomAD compares: Admixed American, 0.0067%; no homozygotes.

Submission:

PreventionGenetics, part of Exact Sciences
Classification: Likely benign for KSR2-related condition. Last evaluated: 2020-01-10. Review status: no assertion criteria provided. Collection method: clinical testing. Allele origin: germline.
Comment: This variant is classified as likely benign based on ACMG/AMP sequence variant interpretation guidelines (Richards et al. 2015 PMID: 25741868, with internal and published modifications).